The following is an entry in ClinVar:

ClinVar aggregate classification (germline): Conflicting classifications of pathogenicity. Review status: criteria provided, conflicting classifications (1 of 4 stars). 4 submissions from 4 submitters: Uncertain significance (3); Likely benign (1). Last evaluated 2025-06-11.

Conditions:
Familial thoracic aortic aneurysm and aortic dissection (TAAD). Also called: Thoracic aortic aneurysms and dissections. Identifiers: Orphanet 91387, MedGen C4707243, MONDO:0019625.
Marfan syndrome (MFS). Also called: FBN1-Related Marfan Syndrome; Marfan's syndrome; MARFAN SYNDROME, TYPE I; Marfan syndrome type 1; Marfan syndrome, classic. Identifiers: Orphanet 284963, Orphanet 558, MedGen C0024796, MONDO:0007947, OMIM 154700.

Submissions (4):

Color Diagnostics, LLC DBA Color Health
Classification: Uncertain significance for Familial thoracic aortic aneurysm and aortic dissection. Last evaluated: 2025-06-11. Review status: criteria provided, single submitter. Criteria: ACMG Guidelines, 2015. Collection method: clinical testing. Allele origin: germline.
Comment: This variant causes a T to C nucleotide substitution at the +5 position of intron 14 of the FBN1 gene. To our knowledge, functional studies have not been reported for this variant. This variant has not been reported in individuals affected with FBN1-related disorders in the literature. This variant has not been identified in the general population by the Genome Aggregation Database (gnomAD). The available evidence is insufficient to determine the role of this variant in disease conclusively. Therefore, this variant is classified as a Variant of Uncertain Significance.

Blueprint Genetics
Classification: Likely benign. Last evaluated: 2023-05-23. Review status: criteria provided, single submitter. Criteria: ACMG Guidelines, 2015. Collection method: clinical testing. Allele origin: germline.

Women's Health and Genetics/Laboratory Corporation of America, LabCorp
Classification: Uncertain significance. Last evaluated: 2022-01-10. Review status: criteria provided, single submitter. Criteria: LabCorp Variant Classification Summary - May 2015. Collection method: clinical testing. Allele origin: germline.
Comment: Variant summary: FBN1 c.1714+5T>C alters a non-conserved nucleotide located close to a canonical splice site and therefore could affect mRNA splicing, leading to a significantly altered protein sequence. 4/4 computational tools predict no significant impact on normal splicing. However, these predictions have yet to be confirmed by functional studies. The variant was absent in 251196 control chromosomes. The available data on variant occurrences in the general population are insufficient to allow any conclusion about variant significance. To our knowledge, no occurrence of c.1714+5T>C in individuals affected with Marfan Syndrome and no experimental evidence demonstrating its impact on protein function have been reported. One clinical diagnostic laboratory has submitted clinical-significance assessments for this variant to ClinVar after 2014 without evidence for independent evaluation and classified the variant as uncertain significance. Based on the evidence outlined above, the variant was classified as uncertain significance.

Labcorp Genetics (formerly Invitae), Labcorp
Classification: Uncertain significance for Marfan syndrome; Familial thoracic aortic aneurysm and aortic dissection. Last evaluated: 2021-07-04. Review status: criteria provided, single submitter. Criteria: Invitae Variant Classification Sherloc (09022015). Collection method: clinical testing. Allele origin: germline.
Comment: In summary, the available evidence is currently insufficient to determine the role of this variant in disease. Therefore, it has been classified as a Variant of Uncertain Significance. Nucleotide substitutions within the consensus splice site are a relatively common cause of aberrant splicing (PMID: 17576681, 9536098). Algorithms developed to predict the effect of sequence changes on RNA splicing suggest that this variant is not likely to affect RNA splicing, but this prediction has not been confirmed by published transcriptional studies. This variant has not been reported in the literature in individuals with FBN1-related conditions. This variant is not present in population databases (ExAC no frequency). This sequence change falls in intron 14 of the FBN1 gene. It does not directly change the encoded amino acid sequence of the FBN1 protein, but it affects a nucleotide within the consensus splice site of the intron.

Literature cited by the submitters: PubMed 17576681 (cited by Labcorp Genetics (formerly Invitae), Labcorp); PubMed 9536098 (cited by Labcorp Genetics (formerly Invitae), Labcorp).

NM_000138.5(FBN1):c.1714+5T>C

Gene: FBN1 (fibrillin 1; minus strand). Cytogenetic location: 15q21.1.
Variant type: single nucleotide variant.
Coding change: c.1714+5T>C on transcript NM_000138.5 (MANE Select); 5 bases into the intron after coding-DNA position 1714, T replaced by C.
Molecular consequence: intron variant.
Genome position (GRCh38, 1-based): chr15:48,510,039, A>G on the plus strand (T>C on the coding strand, the complement: FBN1 is on the minus strand). VCF-style: chr15-48510039-A-G. GRCh37 (hg19) VCF-style: chr15-48802236-A-G.
Identifiers: ClinVar variation 845221 (VCV000845221.12), dbSNP rs2043745384, ClinGen allele CA916082422.